The following is an entry in ClinVar:

NM_000257.4(MYH7):c.5726G>A (p.Arg1909Gln)

Gene: MYH7 (myosin heavy chain 7; minus strand). Cytogenetic location: 14q11.2.
Variant type: single nucleotide variant.
Coding change: c.5726G>A on transcript NM_000257.4 (MANE Select); coding-DNA position 5726, G replaced by A.
Protein change: p.Arg1909Gln; replaces arginine 1909 with glutamine.
Molecular consequence: missense variant.
Genome position (GRCh38, 1-based): chr14:23,413,823, C>T on the plus strand (G>A on the coding strand, the complement: MYH7 is on the minus strand). VCF-style: chr14-23413823-C-T. GRCh37 (hg19) VCF-style: chr14-23883032-C-T.
Other names: p.R1909Q:CGG>CAG; c.5726G>A (LRG_384t1); short protein forms R1909Q.
Identifiers: ClinVar variation 181290 (VCV000181290.66), dbSNP rs397516253, ClinGen allele CA016417.

ClinVar aggregate classification (germline): Conflicting classifications of pathogenicity. Review status: criteria provided, conflicting classifications (1 of 4 stars). 12 submissions from 9 submitters: Pathogenic (1); Likely pathogenic (1); Uncertain significance (10). Last evaluated 2026-09-21.

Conditions:
Myosin storage myopathy (CMYO7A). Also called: MYH7-related late-onset scapuloperoneal muscular dystrophy; Congenital myopathy 7A, myosin storage, autosomal dominant; MYOPATHY, HYALINE BODY, AUTOSOMAL DOMINANT; Scapuloperoneal myopathy, MYH7-related; MYOPATHY WITH LYSIS OF TYPE I MYOFIBRILS; SCAPULOPERONEAL MUSCULAR DYSTROPHY. Identifiers: Orphanet 437572, Orphanet 636965, MedGen C1842160, MONDO:0008409, OMIM 608358.
Cardiovascular phenotype. Identifiers: MedGen CN230736.
Hypertrophic cardiomyopathy 1 (CMH1). Also called: Familial hypertrophic cardiomyopathy 1; MYH7-Related Familial Hypertrophic Cardiomyopathy. Identifiers: MedGen C3495498, MONDO:0008647, OMIM 192600.
MYH7-related skeletal myopathy. Also called: MYOPATHY, DISTAL, EARLY-ONSET, AUTOSOMAL DOMINANT; MYOPATHY, LATE DISTAL HEREDITARY; Laing distal myopathy; Laing early-onset distal myopathy; Myopathy, distal, 1. Identifiers: Orphanet 59135, MedGen C4552004, MONDO:0008050, OMIM 160500.
Dilated cardiomyopathy 1S (CMD1S). Identifiers: Orphanet 154, Orphanet 54260, MedGen C1834481, MONDO:0013262, OMIM 613426.
Cardiomyopathy (CMYO). Also called: Cardiomyopathies. Identifiers: Orphanet 167848, MedGen C0878544, MONDO:0004994, HP:0001638. Inheritance: Various modes of inheritance.
Hypertrophic cardiomyopathy. Also called: HYPERTROPHIC MYOCARDIOPATHY. Identifiers: Orphanet 217569, MedGen C0007194, MeSH D002312, MONDO:0005045, HP:0001639.

Allele frequency attached by ClinVar (database versions not stated): ExAC 0.00001; gnomAD exomes 0.00001; TOPMed 0.00001.
gnomAD v4.1: 14 of 1,614,284 alleles (0.00087%); highest among the groups gnomAD compares: Admixed American, 0.005%; no homozygotes.

Submissions (12):

Molecular Diagnostic Laboratory for Inherited Cardiovascular Disease, Montreal Heart Institute
Classification: Uncertain significance for Cardiovascular phenotype. Last evaluated: 2026-09-21. Review status: criteria provided, single submitter. Criteria: ACMG Guidelines, 2015. Collection method: clinical testing. Allele origin: germline. Affected: yes.
Comment: PM2, PP3

Labcorp Genetics (formerly Invitae), Labcorp
Classification: Likely pathogenic for Hypertrophic cardiomyopathy. Last evaluated: 2025-10-11. Review status: criteria provided, single submitter. Criteria: Invitae Variant Classification Sherloc (09022015). Collection method: clinical testing. Allele origin: germline.
Comment: This sequence change replaces arginine, which is basic and polar, with glutamine, which is neutral and polar, at codon 1909 of the MYH7 protein (p.Arg1909Gln). This variant is present in population databases (rs397516253, gnomAD 0.006%). This missense change has been observed in individual(s) with dilated cardiomyopathy (internal data). ClinVar contains an entry for this variant (Variation ID: 181290). Invitae Evidence Modeling of protein sequence and biophysical properties (such as structural, functional, and spatial information, amino acid conservation, physicochemical variation, residue mobility, and thermodynamic stability) indicates that this missense variant is expected to disrupt MYH7 protein function with a positive predictive value of 95%. This variant disrupts the p.Arg1909 amino acid residue in MYH7. Other variant(s) that disrupt this residue have been determined to be pathogenic (PMID: 29300372; internal data). This suggests that this residue is clinically significant, and that variants that disrupt this residue are likely to be disease-causing. In summary, the currently available evidence indicates that the variant is pathogenic, but additional data are needed to prove that conclusively. Therefore, this variant has been classified as Likely Pathogenic.

GeneDx
Classification: Uncertain significance. Last evaluated: 2025-06-10. Review status: criteria provided, single submitter. Criteria: GeneDx Variant Classification Process June 2021. Collection method: clinical testing. Allele origin: germline. Affected: yes.
Comment: Has not been previously published as pathogenic or benign to our knowledge; In silico analysis supports that this missense variant has a deleterious effect on protein structure/function; Not observed at significant frequency in large population cohorts (gnomAD)

All of Us Research Program, National Institutes of Health
Classification: Uncertain significance for Cardiomyopathy. Last evaluated: 2023-09-17. Review status: criteria provided, single submitter. Criteria: ACMG Guidelines, 2015. Collection method: clinical testing. Allele origin: germline. Inheritance: Autosomal dominant inheritance. Observed: 1 variant allele, 1 heterozygote.
Comment: This missense variant replaces arginine with glutamine at codon 1909 of the MYH7 protein. Computational prediction suggests that this variant may have deleterious impact on protein structure and function (internally defined REVEL score threshold >= 0.7, PMID: 27666373). To our knowledge, functional studies have not been reported for this variant. This variant has been reported in an individual affected with hypertrophic cardiomyopathy (Phelan 2017, dissertation, The University of Melbourne). This variant has been identified in 3/251478 chromosomes in the general population by the Genome Aggregation Database (gnomAD). The available evidence is insufficient to determine the role of this variant in disease conclusively. Therefore, this variant is classified as a Variant of Uncertain Significance.

This study involves interpretation of variants in research participants for the purpose of population health screening. Participant phenotype was not available at the time of variant classification. Additional details can be found in publication PMID: 35346344, PMCID: PMC8962531

Color Diagnostics, LLC DBA Color Health
Classification: Uncertain significance for Cardiomyopathy. Last evaluated: 2023-09-01. Review status: criteria provided, single submitter. Criteria: ACMG Guidelines, 2015. Collection method: clinical testing. Allele origin: germline.
Comment: This missense variant replaces arginine with glutamine at codon 1909 of the MYH7 protein. Computational prediction suggests that this variant may have deleterious impact on protein structure and function (internally defined REVEL score threshold >= 0.7, PMID: 27666373). To our knowledge, functional studies have not been reported for this variant. This variant has been reported in an individual affected with hypertrophic cardiomyopathy (Phelan 2017, dissertation, The University of Melbourne). This variant has been identified in 3/251478 chromosomes in the general population by the Genome Aggregation Database (gnomAD). The available evidence is insufficient to determine the role of this variant in disease conclusively. Therefore, this variant is classified as a Variant of Uncertain Significance.

Blueprint Genetics
Classification: Uncertain significance. Last evaluated: 2023-08-03. Review status: criteria provided, single submitter. Criteria: ACMG Guidelines, 2015. Collection method: clinical testing. Allele origin: germline.

Victorian Clinical Genetics Services, Murdoch Childrens Research Institute
Classification: Uncertain significance for Dilated cardiomyopathy 1S. Last evaluated: 2022-02-02. Review status: criteria provided, single submitter. Criteria: ACMG Guidelines, 2015. Collection method: clinical testing. Allele origin: germline. Inheritance: Autosomal dominant inheritance. Affected: yes.
Comment: Based on the classification scheme VCGS_Germline_v1.3.4, this variant is classified as VUS-3B. Following criteria are met: 0105 - The mechanism of disease for this gene is not clearly established, however, missense variants have been proposed to act in a dominant negative manner (PMID: 24714796). (I) 0108 - This gene is associated with both recessive and dominant disease. Pathogenic variants in this gene are usually heterozygous, however a recessive inheritance pattern has been observed in severe cases (OMIM). (I) 0112 - The condition associated with this gene has incomplete penetrance (PMID: 29300372). (I) 0200 - Variant is predicted to result in a missense amino acid change from arginine to glutamine. (I) 0251 - This variant is heterozygous. (I) 0302 - Variant is present in gnomAD (v2) <0.001 for a dominant condition (3 heterozygotes, 0 homozygote). (SP) 0309 - An alternative amino acid change at the same position has been observed in gnomAD (v2) (3 heterozygotes, 0 homozygotes). (I) 0501 - Missense variant consistently predicted to be damaging by multiple in silico tools or highly conserved with a major amino acid change. (SP) 0600 - Variant is located in the annotated myosin tail domain (DECIPHER). (I) 0704 - Other missense variants comparable to the one identified in this case have limited previous evidence for pathogenicity. Alternative changes (p.(Arg1909Gly) and p.(Arg1909Trp)) have been reported as a VUS in several individuals with hypertrophic cardiomyopathy. An additional alternative change (p.(Arg1909Pro)) has been reported as likely pathogenic by an expert panel, and observed as de novo in a proband with dilated cardiomyopathy (ClinVar, LOVD, PMID: 27532257, PMID: 29300372). (SP) 0808 - Previous reports of pathogenicity for this variant are conflicting. This variant has been reported as pathogenic, but mostly as a VUS (ClinVar). (I) 0905 - No published segregation evidence has been identified for this variant. (I) 1007 - No published functional evidence has been identified for this variant. (I) 1208 - Inheritance information for this variant is not currently available in this individual. (I) Legend: (SP) - Supporting pathogenic, (I) - Information, (SB) - Supporting benign

CeGaT Center for Human Genetics Tuebingen
Classification: Pathogenic. Last evaluated: 2019-10-01. Review status: criteria provided, single submitter. Criteria: CeGaT Center For Human Genetics Tuebingen Variant Classification Criteria Version 2. Collection method: clinical testing. Allele origin: germline. Affected: yes. Observed: 4 variant alleles.

Illumina Laboratory Services, Illumina
Classification: Uncertain significance for MYH7-related skeletal myopathy. Last evaluated: 2018-01-13. Review status: criteria provided, single submitter. Criteria: ICSL Variant Classification Criteria 13 December 2019. Collection method: clinical testing. Allele origin: germline.

Illumina Laboratory Services, Illumina
Classification: Uncertain significance for Myosin storage myopathy. Last evaluated: 2018-01-13. Review status: criteria provided, single submitter. Criteria: ICSL Variant Classification Criteria 13 December 2019. Collection method: clinical testing. Allele origin: germline.

Illumina Laboratory Services, Illumina
Classification: Uncertain significance for Hypertrophic cardiomyopathy 1. Last evaluated: 2018-01-13. Review status: criteria provided, single submitter. Criteria: ICSL Variant Classification Criteria 13 December 2019. Collection method: clinical testing. Allele origin: germline.

Illumina Laboratory Services, Illumina
Classification: Uncertain significance for Dilated cardiomyopathy 1S. Last evaluated: 2018-01-13. Review status: criteria provided, single submitter. Criteria: ICSL Variant Classification Criteria 13 December 2019. Collection method: clinical testing. Allele origin: germline.

Literature cited by the submitters: PubMed 29300372 (cited by Labcorp Genetics (formerly Invitae), Labcorp and Victorian Clinical Genetics Services, Murdoch Childrens Research Institute); PubMed 24714796 (cited by Victorian Clinical Genetics Services, Murdoch Childrens Research Institute); PubMed 27532257 (cited by Victorian Clinical Genetics Services, Murdoch Childrens Research Institute).